The following is an entry in ClinVar:

ClinVar aggregate classification (germline): Likely benign (1 of 4 stars; one submission).

Conditions:
NRP1-related disorder. Also called: NRP1-related condition.

gnomAD v4.1: 4 of 1,614,040 alleles (0.00025%); highest among the groups gnomAD compares: Admixed American, 0.005%; no homozygotes.

Submission:

PreventionGenetics, part of Exact Sciences
Classification: Likely benign for NRP1-related condition. Last evaluated: 2025-11-18. Review status: criteria provided, single submitter. Criteria: ACMG Guidelines, 2015. Collection method: clinical testing. Allele origin: germline.
Comment: This variant is classified as likely benign based on ACMG/AMP sequence variant interpretation guidelines (Richards et al. 2015 PMID: 25741868, with internal and published modifications).

NM_003873.7(NRP1):c.2238G>A (p.Glu746=)

Gene: NRP1 (neuropilin 1; minus strand). Cytogenetic location: 10p11.22.
Variant type: single nucleotide variant.
Coding change: c.2238G>A on transcript NM_003873.7 (MANE Select); coding-DNA position 2238, G replaced by A.
Protein change: p.Glu746=; no amino-acid change (glutamic acid 746 retained).
Molecular consequence: synonymous variant. On other transcripts: non-coding transcript variant (1).
Genome position (GRCh38, 1-based): chr10:33,186,313, C>T on the plus strand (G>A on the coding strand, the complement: NRP1 is on the minus strand). VCF-style: chr10-33186313-C-T. GRCh37 (hg19) VCF-style: chr10-33475241-C-T.
Other names: c.2220G>A, p.Glu740= (NM_001244972.2); c.2217G>A, p.Glu739= (NM_001244973.2); c.2238G>A, p.Glu746= (NM_001330068.2).
Identifiers: ClinVar variation 4987534 (VCV004987534.1).
Genomic context (GRCh38, chr10:33,186,313, plus strand): 5'-CCCTTCCTTCCAGTGGTCACCTTGGTGTCCAATGGCCATCCAGACCAGCTGATCGTACTC[C>T]TCTGGCTTCTGGTAGCGCAGTTTGACCCTGAGTGTGCCGACGTGGGACCCAGACATGTGA-3'
Protein context (NP_003864.5, residues 736-756): LRVKLRYQKP[Glu746=]EYDQLVWMAI